The following is an entry in ClinVar:

ClinVar aggregate classification (germline): Uncertain significance (1 of 4 stars; one submission).

Conditions:
Combined immunodeficiency due to OX40 deficiency. Also called: OX40 DEFICIENCY; Immunodeficiency 16. Identifiers: Orphanet 431149, MedGen C3810053, MONDO:0014268, OMIM 615593.

Allele frequency attached by ClinVar (database versions not stated): gnomAD 0.00001; gnomAD exomes 0.00001; TOPMed 0.00002.
gnomAD v4.1: 9 of 1,503,114 alleles (0.0006%); highest among the groups gnomAD compares: Non-Finnish European, 0.00062%; no homozygotes.

Submission:

Labcorp Genetics (formerly Invitae), Labcorp
Classification: Uncertain significance for Combined immunodeficiency due to OX40 deficiency. Last evaluated: 2024-09-24. Review status: criteria provided, single submitter. Criteria: Invitae Variant Classification Sherloc (09022015). Collection method: clinical testing. Allele origin: germline.
Comment: This sequence change replaces histidine, which is basic and polar, with arginine, which is basic and polar, at codon 271 of the TNFRSF4 protein (p.His271Arg). This variant is not present in population databases (gnomAD no frequency). This variant has not been reported in the literature in individuals affected with TNFRSF4-related conditions. ClinVar contains an entry for this variant (Variation ID: 1367327). An algorithm developed to predict the effect of missense changes on protein structure and function (PolyPhen-2) suggests that this variant is likely to be disruptive. In summary, the available evidence is currently insufficient to determine the role of this variant in disease. Therefore, it has been classified as a Variant of Uncertain Significance.

NM_003327.4(TNFRSF4):c.812A>G (p.His271Arg)

Gene: TNFRSF4 (TNF receptor superfamily member 4; minus strand). Cytogenetic location: 1p36.33.
Variant type: single nucleotide variant.
Coding change: c.812A>G on transcript NM_003327.4 (MANE Select); coding-DNA position 812, A replaced by G.
Protein change: p.His271Arg; replaces histidine 271 with arginine.
Molecular consequence: missense variant.
Genome position (GRCh38, 1-based): chr1:1,211,577, T>C on the plus strand (A>G on the coding strand, the complement: TNFRSF4 is on the minus strand). VCF-style: chr1-1211577-T-C. GRCh37 (hg19) VCF-style: chr1-1146957-T-C.
Other names: c.812A>G (NM_003327.3); short protein forms H271R.
Identifiers: ClinVar variation 1367327 (VCV001367327.9), dbSNP rs1336408361, ClinGen allele CA337798322.